The following is an entry in ClinVar:

ClinVar aggregate classification (germline): Uncertain significance (1 of 4 stars; one submission).

Conditions:
ANKRD1-related dilated cardiomyopathy. Identifiers: MedGen CN119551.

gnomAD v4.1: 3 of 1,613,916 alleles (0.00019%); highest among the groups gnomAD compares: Non-Finnish European, 0.00025%; no homozygotes.

Submission:

Labcorp Genetics (formerly Invitae), Labcorp
Classification: Uncertain significance for ANKRD1-related dilated cardiomyopathy. Last evaluated: 2024-05-13. Review status: criteria provided, single submitter. Criteria: Invitae Variant Classification Sherloc (09022015). Collection method: clinical testing. Allele origin: germline.
Comment: This sequence change replaces arginine, which is basic and polar, with isoleucine, which is neutral and non-polar, at codon 159 of the ANKRD1 protein (p.Arg159Ile). The frequency data for this variant in the population databases is considered unreliable, as metrics indicate poor data quality at this position in the gnomAD database. This variant has not been reported in the literature in individuals affected with ANKRD1-related conditions. Advanced modeling of protein sequence and biophysical properties (such as structural, functional, and spatial information, amino acid conservation, physicochemical variation, residue mobility, and thermodynamic stability) performed at Invitae indicates that this missense variant is not expected to disrupt ANKRD1 protein function with a negative predictive value of 80%. In summary, the available evidence is currently insufficient to determine the role of this variant in disease. Therefore, it has been classified as a Variant of Uncertain Significance.

NM_014391.3(ANKRD1):c.476G>T (p.Arg159Ile)

Gene: ANKRD1 (ankyrin repeat domain 1; minus strand). Cytogenetic location: 10q23.31.
Variant type: single nucleotide variant.
Coding change: c.476G>T on transcript NM_014391.3 (MANE Select); coding-DNA position 476, G replaced by T.
Protein change: p.Arg159Ile; replaces arginine 159 with isoleucine.
Molecular consequence: missense variant.
Genome position (GRCh38, 1-based): chr10:90,917,808, C>A on the plus strand (G>T on the coding strand, the complement: ANKRD1 is on the minus strand). VCF-style: chr10-90917808-C-A. GRCh37 (hg19) VCF-style: chr10-92677565-C-A.
Other names: short protein forms R159I.
Identifiers: ClinVar variation 3717283 (VCV003717283.2).